The following is an entry in ClinVar:

ClinVar aggregate classification (germline): Uncertain significance. Review status: criteria provided, multiple submitters, no conflicts (2 of 4 stars). 2 submissions from 2 submitters: Uncertain significance (2). Last evaluated 2025-09-20.

Conditions:
Brugada syndrome. Also called: Sudden Unexplained Death Syndrome; Sudden Unexplained Nocturnal Death Syndrome (SUNDS); Sudden unexplained nocturnal death syndrome; Sudden unexpected nocturnal death syndrome. Identifiers: Orphanet 130, MedGen C1142166, MONDO:0015263.
Cardiovascular phenotype. Identifiers: MedGen CN230736.

Allele frequency attached by ClinVar (database versions not stated): gnomAD 0.00001; gnomAD exomes 0.00001; TOPMed 0.00001.
gnomAD v4.1: 6 of 1,614,082 alleles (0.00037%); highest among the groups gnomAD compares: Non-Finnish European, 0.00051%; no homozygotes.

Submissions (2):

Labcorp Genetics (formerly Invitae), Labcorp
Classification: Uncertain significance for Brugada syndrome. Last evaluated: 2025-09-20. Review status: criteria provided, single submitter. Criteria: Invitae Variant Classification Sherloc (09022015). Collection method: clinical testing. Allele origin: germline.
Comment: This sequence change replaces isoleucine, which is neutral and non-polar, with valine, which is neutral and non-polar, at codon 917 of the SCN10A protein (p.Ile917Val). This variant is present in population databases (no rsID available, gnomAD 0.0009%). This missense change has been observed in individual(s) with Brugada syndrome (PMID: 31292628). ClinVar contains an entry for this variant (Variation ID: 1480236). Invitae Evidence Modeling of protein sequence and biophysical properties (such as structural, functional, and spatial information, amino acid conservation, physicochemical variation, residue mobility, and thermodynamic stability) indicates that this missense variant is not expected to disrupt SCN10A protein function with a negative predictive value of 80%. In summary, the available evidence is currently insufficient to determine the role of this variant in disease. Therefore, it has been classified as a Variant of Uncertain Significance.

Ambry Genetics
Classification: Uncertain significance for Cardiovascular phenotype. Last evaluated: 2024-02-17. Review status: criteria provided, single submitter. Criteria: Ambry Variant Classification Scheme 2023. Collection method: clinical testing. Allele origin: germline.
Comment: The p.I917V variant (also known as c.2749A>G), located in coding exon 16 of the SCN10A gene, results from an A to G substitution at nucleotide position 2749. The isoleucine at codon 917 is replaced by valine, an amino acid with highly similar properties. This alteration has been reported in a Brugada syndrome cohort (Monasky MM et al. Europace, 2019 Oct;21:1550-1558). This amino acid position is well conserved in available vertebrate species; however, valine is the reference amino acid in other vertebrate species. In addition, this alteration is predicted to be tolerated by in silico analysis. Since supporting evidence is limited at this time, the clinical significance of this alteration remains unclear.

Literature cited by the submitters: PubMed 31292628 (cited by Labcorp Genetics (formerly Invitae), Labcorp and Ambry Genetics).

NM_006514.4(SCN10A):c.2749A>G (p.Ile917Val)

Gene: SCN10A (sodium voltage-gated channel alpha subunit 10; minus strand). Cytogenetic location: 3p22.2.
Variant type: single nucleotide variant.
Coding change: c.2749A>G on transcript NM_006514.4 (MANE Select); coding-DNA position 2749, A replaced by G.
Protein change: p.Ile917Val; replaces isoleucine 917 with valine.
Molecular consequence: missense variant.
Genome position (GRCh38, 1-based): chr3:38,726,944, T>C on the plus strand (A>G on the coding strand, the complement: SCN10A is on the minus strand). VCF-style: chr3-38726944-T-C. GRCh37 (hg19) VCF-style: chr3-38768435-T-C.
Other names: c.2749A>G, p.Ile917Val (NM_001293306.2); c.2455A>G, p.Ile819Val (NM_001293307.2); short protein forms I917V, I819V.
Identifiers: ClinVar variation 1480236 (VCV001480236.8), dbSNP rs995638455, ClinGen allele CA72960803.